The following is an entry in ClinVar:

ClinVar aggregate classification (germline): Likely benign (1 of 4 stars; one submission).

Conditions:
GATA3-related disorder. Also called: GATA3-related condition.

gnomAD v4.1: 6 of 1,613,256 alleles (0.00037%); highest among the groups gnomAD compares: East Asian, 0.0045%; no homozygotes.

Submission:

PreventionGenetics, part of Exact Sciences
Classification: Likely benign for GATA3-related condition. Last evaluated: 2025-05-27. Review status: criteria provided, single submitter. Criteria: ACMG Guidelines, 2015. Collection method: clinical testing. Allele origin: germline.
Comment: This variant is classified as likely benign based on ACMG/AMP sequence variant interpretation guidelines (Richards et al. 2015 PMID: 25741868, with internal and published modifications).

NM_001002295.2(GATA3):c.618C>T (p.Thr206=)

Gene: GATA3 (GATA binding protein 3; plus strand). Cytogenetic location: 10p14.
Variant type: single nucleotide variant.
Coding change: c.618C>T on transcript NM_001002295.2 (MANE Select); coding-DNA position 618, C replaced by T.
Protein change: p.Thr206=; no amino-acid change (threonine 206 retained).
Molecular consequence: synonymous variant.
Genome position (GRCh38, 1-based): chr10:8,058,681, C>T. VCF-style: chr10-8058681-C-T. GRCh37 (hg19) VCF-style: chr10-8100644-C-T.
Other names: c.618C>T, p.Thr206= (NM_001441115.1, NM_001441116.1, NM_001441117.1 and 18 more transcripts).
Identifiers: ClinVar variation 4984160 (VCV004984160.1).